The following is an entry in ClinVar:

NM_006912.6(RIT1):c.559A>C (p.Lys187Gln)

Gene: RIT1 (Ras like without CAAX 1; minus strand). Cytogenetic location: 1q22.
Variant type: single nucleotide variant.
Coding change: c.559A>C on transcript NM_006912.6 (MANE Select); coding-DNA position 559, A replaced by C.
Protein change: p.Lys187Gln; replaces lysine 187 with glutamine.
Molecular consequence: missense variant.
Genome position (GRCh38, 1-based): chr1:155,900,489, T>G on the plus strand (A>C on the coding strand, the complement: RIT1 is on the minus strand). VCF-style: chr1-155900489-T-G. GRCh37 (hg19) VCF-style: chr1-155870280-T-G.
Other names: c.559A>C (NM_006912.4); c.451A>C, p.Lys151Gln (NM_001256820.2); c.610A>C, p.Lys204Gln (NM_001256821.2); short protein forms K151Q, K187Q, K204Q.
Identifiers: ClinVar variation 1716008 (VCV001716008.8), dbSNP rs1673290609, ClinGen allele CA342801115.

ClinVar aggregate classification (germline): Uncertain significance. Review status: criteria provided, multiple submitters, no conflicts (2 of 4 stars). 3 submissions from 3 submitters: Uncertain significance (3). Last evaluated 2025-05-08.

Conditions:
Cardiovascular phenotype. Identifiers: MedGen CN230736.
Noonan syndrome 8 (NS8). Identifiers: Orphanet 648, MedGen C3809233, MONDO:0014143, OMIM 615355.

gnomAD v4.1: 2 of 1,614,072 alleles (0.00012%); highest among the groups gnomAD compares: African/African-American, 0.0013%; no homozygotes.

Submissions (3):

Labcorp Genetics (formerly Invitae), Labcorp
Classification: Uncertain significance for Noonan syndrome 8. Last evaluated: 2025-05-08. Review status: criteria provided, single submitter. Criteria: Invitae Variant Classification Sherloc (09022015). Collection method: clinical testing. Allele origin: germline.
Comment: This sequence change replaces lysine, which is basic and polar, with glutamine, which is neutral and polar, at codon 187 of the RIT1 protein (p.Lys187Gln). This variant is not present in population databases (gnomAD no frequency). This variant has not been reported in the literature in individuals affected with RIT1-related conditions. ClinVar contains an entry for this variant (Variation ID: 1716008). Invitae Evidence Modeling incorporating data from in vitro experimental studies (internal data) indicates that this missense variant is not expected to disrupt RIT1 function with a negative predictive value of 95%. In summary, the available evidence is currently insufficient to determine the role of this variant in disease. Therefore, it has been classified as a Variant of Uncertain Significance.

Genome-Nilou Lab
Classification: Uncertain significance for Noonan syndrome 8. Last evaluated: 2023-04-11. Review status: criteria provided, single submitter. Criteria: ACMG Guidelines, 2015. Collection method: clinical testing. Allele origin: germline. Affected: no.

Ambry Genetics
Classification: Uncertain significance for Cardiovascular phenotype. Last evaluated: 2023-02-16. Review status: criteria provided, single submitter. Criteria: Ambry Variant Classification Scheme 2023. Collection method: clinical testing. Allele origin: germline.
Comment: The p.K187Q variant (also known as c.559A>C), located in coding exon 5 of the RIT1 gene, results from an A to C substitution at nucleotide position 559. The lysine at codon 187 is replaced by glutamine, an amino acid with similar properties. This amino acid position is well conserved in available vertebrate species. In addition, this alteration is predicted to be tolerated by in silico analysis. Since supporting evidence is limited at this time, the clinical significance of this alteration remains unclear.